The following is an entry in ClinVar:

NM_003640.5(ELP1):c.2015-20T>C

Gene: ELP1 (elongator acetyltransferase complex subunit 1; minus strand). Cytogenetic location: 9q31.3.
Variant type: single nucleotide variant.
Coding change: c.2015-20T>C on transcript NM_003640.5 (MANE Select); 20 bases into the intron before coding-DNA position 2015, T replaced by C.
Molecular consequence: intron variant.
Genome position (GRCh38, 1-based): chr9:108,900,395, A>G on the plus strand (T>C on the coding strand, the complement: ELP1 is on the minus strand). VCF-style: chr9-108900395-A-G. GRCh37 (hg19) VCF-style: chr9-111662675-A-G.
Other names: c.1673-20T>C (NM_001318360.2); c.968-20T>C (NM_001330749.2); c.2015-20T>C (LRG_251t1).
Identifiers: ClinVar variation 381817 (VCV000381817.4), dbSNP rs760415006, ClinGen allele CA5174800.

ClinVar aggregate classification (germline): Likely benign. Review status: criteria provided, multiple submitters, no conflicts (2 of 4 stars). 2 submissions from 2 submitters: Likely benign (2). Last evaluated 2026-01-31.

Allele frequency attached by ClinVar (database versions not stated): gnomAD exomes below 0.00001 and 0.00001; TOPMed below 0.00001; ExAC 0.00001; gnomAD 0.00001.
gnomAD v4.1: 18 of 1,542,504 alleles (0.0012%); highest among the groups gnomAD compares: Non-Finnish European, 0.0014%; no homozygotes.

Submissions (2):

Labcorp Genetics (formerly Invitae), Labcorp
Classification: Likely benign. Last evaluated: 2026-01-31. Review status: criteria provided, single submitter. Criteria: Invitae Variant Classification Sherloc (09022015). Collection method: clinical testing. Allele origin: germline.

GeneDx
Classification: Likely benign. Last evaluated: 2015-12-04. Review status: criteria provided, single submitter. Criteria: GeneDx Variant Classification (06012015). Collection method: clinical testing. Allele origin: germline. Affected: yes.
Comment: This variant is considered likely benign or benign based on one or more of the following criteria: it is a conservative change, it occurs at a poorly conserved position in the protein, it is predicted to be benign by multiple in silico algorithms, and/or has population frequency not consistent with disease.